The following is an entry in ClinVar:

ClinVar aggregate classification (germline): Uncertain significance. Review status: criteria provided, multiple submitters, no conflicts (2 of 4 stars). 3 submissions from 3 submitters: Uncertain significance (3). Last evaluated 2025-05-25.

Conditions:
Inborn genetic diseases. Identifiers: MedGen C0950123, MeSH D030342.
Autosomal dominant osteopetrosis 1 (OPTA1). Also called: OSTEOPETROSIS, AUTOSOMAL DOMINANT, TYPE I. Identifiers: Orphanet 2783, MedGen C1843330, MONDO:0011877, OMIM 607634.
Exudative vitreoretinopathy 1 (EVR1). Also called: CRISWICK-SCHEPENS SYNDROME; FEVR, AUTOSOMAL DOMINANT; Familial exudative vitreoretinopathy, autosomal dominant. Identifiers: Orphanet 891, Orphanet 90050, MedGen C1851402, MONDO:0007589, OMIM 133780.
Osteoporosis. Identifiers: MedGen C0029456, MONDO:0005298, OMIM 166710, HP:0000939.
Polycystic liver disease 4 with or without kidney cysts. Identifiers: MedGen C4693479, MONDO:0044327, OMIM 617875.
Exudative vitreoretinopathy 4 (EVR4). Identifiers: Orphanet 891, MedGen C1866176, MONDO:0011151, OMIM 601813.
Osteoporosis with pseudoglioma (OPPG). Also called: osteoporosis-pseudoglioma syndrome. Identifiers: Orphanet 2788, MedGen C0432252, MONDO:0009820, OMIM 259770.
Bone mineral density quantitative trait locus 1 (BMND1). Identifiers: MedGen C1866079, OMIM 601884.
Worth disease. Also called: Autosomal dominant osteosclerosis, Worth type; ENDOSTEAL HYPEROSTOSIS, AUTOSOMAL DOMINANT; OSTEOSCLEROSIS, AUTOSOMAL DOMINANT. Identifiers: Orphanet 2790, MedGen C0432273, MONDO:0007764, OMIM 144750.

Allele frequency attached by ClinVar (database versions not stated): gnomAD 0.00001; gnomAD exomes 0.00001; TOPMed 0.00001.
gnomAD v4.1: 10 of 1,613,982 alleles (0.00062%); highest among the groups gnomAD compares: African/African-American, 0.0027%; no homozygotes.

Submissions (3):

Ambry Genetics
Classification: Uncertain significance for Inborn genetic diseases. Last evaluated: 2025-05-25. Review status: criteria provided, single submitter. Criteria: Ambry Variant Classification Scheme 2023. Collection method: clinical testing. Allele origin: germline.

Labcorp Genetics (formerly Invitae), Labcorp
Classification: Uncertain significance. Last evaluated: 2023-09-01. Review status: criteria provided, single submitter. Criteria: Invitae Variant Classification Sherloc (09022015). Collection method: clinical testing. Allele origin: germline.
Comment: This variant is not present in population databases (gnomAD no frequency). This variant has not been reported in the literature in individuals affected with LRP5-related conditions. This sequence change replaces asparagine, which is neutral and polar, with serine, which is neutral and polar, at codon 531 of the LRP5 protein (p.Asn531Ser). ClinVar contains an entry for this variant (Variation ID: 1467355). Advanced modeling of protein sequence and biophysical properties (such as structural, functional, and spatial information, amino acid conservation, physicochemical variation, residue mobility, and thermodynamic stability) performed at Invitae indicates that this missense variant is not expected to disrupt LRP5 protein function. In summary, the available evidence is currently insufficient to determine the role of this variant in disease. Therefore, it has been classified as a Variant of Uncertain Significance.

Fulgent Genetics
Classification: Uncertain significance for Exudative vitreoretinopathy 1; Worth disease; Osteoporosis; Osteoporosis with pseudoglioma; Exudative vitreoretinopathy 4; Bone mineral density quantitative trait locus 1; Autosomal dominant osteopetrosis 1; Polycystic liver disease 4 with or without kidney cysts. Last evaluated: 2021-09-17. Review status: criteria provided, single submitter. Criteria: ACMG Guidelines, 2015. Collection method: clinical testing. Allele origin: unknown.

NM_002335.4(LRP5):c.1592A>G (p.Asn531Ser)

Gene: LRP5 (LDL receptor related protein 5; plus strand). Cytogenetic location: 11q13.2.
Variant type: single nucleotide variant.
Coding change: c.1592A>G on transcript NM_002335.4 (MANE Select); coding-DNA position 1592, A replaced by G.
Protein change: p.Asn531Ser; replaces asparagine 531 with serine.
Molecular consequence: missense variant. On other transcripts: 5 prime UTR variant (1).
Genome position (GRCh38, 1-based): chr11:68,403,490, A>G. VCF-style: chr11-68403490-A-G. GRCh37 (hg19) VCF-style: chr11-68170958-A-G.
Other names: c.1592A>G (NM_002335.2); c.-346A>G (NM_001291902.2); short protein forms N531S.
Identifiers: ClinVar variation 1467355 (VCV001467355.8), dbSNP rs2098653807, ClinGen allele CA381614101.
Genomic context (GRCh38, chr11:68,403,490, plus strand): 5'-TCTCGTTGGTGTGGCCCTGGCCCATCCAGACCTATATTTCTGCCGTCCTGCAGGTGATCA[A>G]TGTTGATGGGACGAAGAGGCGGACCCTCCTGGAGGACAAGCTCCCGCACATTTTTGGGTT-3'
Protein context (NP_002326.2, residues 521-541): DAKTDKIEVI[Asn531Ser]VDGTKRRTLL